The following is an entry in ClinVar:

NM_001040108.2(MLH3):c.2437G>T (p.Asp813Tyr)

Gene: MLH3 (mutL homolog 3; minus strand). Cytogenetic location: 14q24.3.
Variant type: single nucleotide variant.
Coding change: c.2437G>T on transcript NM_001040108.2 (MANE Select); coding-DNA position 2437, G replaced by T.
Protein change: p.Asp813Tyr; replaces aspartic acid 813 with tyrosine.
Molecular consequence: missense variant.
Genome position (GRCh38, 1-based): chr14:75,047,219, C>A on the plus strand (G>T on the coding strand, the complement: MLH3 is on the minus strand). VCF-style: chr14-75047219-C-A. GRCh37 (hg19) VCF-style: chr14-75513922-C-A.
Other names: c.2437G>T, p.Asp813Tyr (NM_014381.3); short protein forms D813Y.
Identifiers: ClinVar variation 1791247 (VCV001791247.2), dbSNP rs2139562713, ClinGen allele CA390440486.
Genomic context (GRCh38, chr14:75,047,219, plus strand): 5'-AGAATGGAAACTTCTCTGAGTTAAGGATGTGGCTTGCTGGTTGACAACTACTATCTGAAT[C>A]ACTATGCTCCATAGTAGTGATTTTACAAACATCAGAGTTCTCTAAGCGGTTCTTGTCCTT-3'
Protein context (NP_001035197.1, residues 803-823): VCKITTMEHS[Asp813Tyr]SDSSCQPASH

ClinVar aggregate classification (germline): Uncertain significance (1 of 4 stars; one submission).

Submission:

Ambry Genetics
Classification: Uncertain significance. Last evaluated: 2021-08-24. Review status: criteria provided, single submitter. Criteria: Ambry Variant Classification Scheme 2023. Collection method: clinical testing. Allele origin: germline.
Comment: The p.D813Y variant (also known as c.2437G>T), located in coding exon 1 of the MLH3 gene, results from a G to T substitution at nucleotide position 2437. The aspartic acid at codon 813 is replaced by tyrosine, an amino acid with highly dissimilar properties. This amino acid position is conserved. In addition, this alteration is predicted to be tolerated by in silico analysis. Since supporting evidence is limited at this time, the clinical significance of this alteration remains unclear.